The following is an entry in ClinVar:

NM_000136.3(FANCC):c.1309C>T (p.Gln437Ter)

Genes: FANCC (FA complementation group C; minus strand), AOPEP (aminopeptidase O (putative); plus strand). Cytogenetic location: 9q22.32.
Variant type: single nucleotide variant.
Coding change: c.1309C>T on transcript NM_000136.3 (MANE Select); coding-DNA position 1309, C replaced by T.
Protein change: p.Gln437Ter; replaces glutamine 437 with a stop codon.
Molecular consequence: nonsense.
Genome position (GRCh38, 1-based): chr9:95,111,483, G>A on the plus strand (C>T on the coding strand, the complement: FANCC is on the minus strand). VCF-style: chr9-95111483-G-A. GRCh37 (hg19) VCF-style: chr9-97873765-G-A.
Other names: c.1309C>T, p.Gln437Ter (NM_001243743.2, NM_001243744.2); short protein forms Q437*.
Identifiers: ClinVar variation 370350 (VCV000370350.12), dbSNP rs944083227, ClinGen allele CA16041340.

ClinVar aggregate classification (germline): Pathogenic/Likely pathogenic. Review status: criteria provided, multiple submitters, no conflicts (2 of 4 stars). 6 submissions from 6 submitters: Pathogenic (2); Likely pathogenic (3). 1 of the submissions does not count toward it. Last evaluated 2025-06-10.

Conditions:
Hereditary cancer-predisposing syndrome. Also called: Neoplastic Syndromes, Hereditary; Tumor predisposition; Hereditary neoplastic syndrome; Hereditary Cancer Syndrome. Identifiers: Orphanet 140162, MedGen C0027672, MeSH D009386, MONDO:0015356.
Fanconi anemia complementation group C (FANCC). Also called: FANCONI PANCYTOPENIA, TYPE 3; FACC; Fanconi anemia, group C; FANCC-Related Fanconi Anemia. Identifiers: Orphanet 84, MedGen C3468041, MONDO:0009213, OMIM 227645.
Fanconi anemia (FA). Also called: Fanconi's anemia. Identifiers: Orphanet 84, MedGen C0015625, MeSH D005199, MONDO:0019391.

Allele frequency attached by ClinVar (database versions not stated): gnomAD 0.00001.
gnomAD v4.1: 7 of 1,613,512 alleles (0.00043%); highest among the groups gnomAD compares: African/African-American, 0.0013%; no homozygotes.

Submissions (6):

GeneDx
Classification: Likely pathogenic. Last evaluated: 2025-06-10. Review status: criteria provided, single submitter. Criteria: GeneDx Variant Classification Process June 2021. Collection method: clinical testing. Allele origin: germline. Affected: yes.
Comment: Nonsense variant predicted to result in protein truncation or nonsense mediated decay in a gene for which loss of function is a known mechanism of disease; Not observed at significant frequency in large population cohorts (gnomAD); Has not been previously published as pathogenic or benign to our knowledge

Fulgent Genetics
Classification: Likely pathogenic for Fanconi anemia complementation group C. Last evaluated: 2024-03-17. Review status: criteria provided, single submitter. Criteria: ACMG Guidelines, 2015. Collection method: clinical testing. Allele origin: germline.

Natera, Inc.
Classification: Likely pathogenic for Fanconi anemia. Last evaluated: 2024-03-14. Review status: criteria provided, single submitter. Criteria: Natera Variant Classification Schema (03/2026). Collection method: clinical testing. Allele origin: germline.
Comment: The c.1309C>T variant in FANCC is a nonsense variant predicted to introduce a stop codon at amino acid 437. This variant is expected to result in nonsense mediated decay, truncation, or a dysfunctional protein product. This variant is rare in the general population with a frequency below the threshold expected for the associated phenotype(s). Given the available evidence, this variant is classified as Likely Pathogenic.

Labcorp Genetics (formerly Invitae), Labcorp
Classification: Pathogenic for Fanconi anemia. Last evaluated: 2023-11-20. Review status: criteria provided, single submitter. Criteria: Invitae Variant Classification Sherloc (09022015). Collection method: clinical testing. Allele origin: germline.
Comment: This sequence change creates a premature translational stop signal (p.Gln437*) in the FANCC gene. It is expected to result in an absent or disrupted protein product. Loss-of-function variants in FANCC are known to be pathogenic (PMID: 17924555). This variant is present in population databases (no rsID available, gnomAD 0.007%). This variant has not been reported in the literature in individuals affected with FANCC-related conditions. ClinVar contains an entry for this variant (Variation ID: 370350). For these reasons, this variant has been classified as Pathogenic.

Ambry Genetics
Classification: Pathogenic for Hereditary cancer-predisposing syndrome. Last evaluated: 2021-08-19. Review status: criteria provided, single submitter. Criteria: Ambry Variant Classification Scheme 2023. Collection method: clinical testing. Allele origin: germline.
Comment: The p.Q437* pathogenic mutation (also known as c.1309C>T), located in coding exon 12 of the FANCC gene, results from a C to T substitution at nucleotide position 1309. This changes the amino acid from a glutamine to a stop codon within coding exon 12. This alteration is expected to result in loss of function by premature protein truncation or nonsense-mediated mRNA decay. As such, this alteration is interpreted as a disease-causing mutation.

Counsyl
Classification: Likely pathogenic for Fanconi anemia complementation group C. Last evaluated: 2016-01-18. Review status: no assertion criteria provided. Collection method: clinical testing. Allele origin: unknown. Not counted in ClinVar's aggregate classification.

Literature cited by the submitters: PubMed 17924555 (cited by Labcorp Genetics (formerly Invitae), Labcorp).